The following is an entry in ClinVar:

NM_001042681.2(RERE):c.3114C>T (p.Pro1038=)

Gene: RERE (arginine-glutamic acid dipeptide repeats; minus strand). Cytogenetic location: 1p36.23.
Variant type: single nucleotide variant.
Coding change: c.3114C>T on transcript NM_001042681.2 (MANE Select); coding-DNA position 3114, C replaced by T.
Protein change: p.Pro1038=; no amino-acid change (proline 1038 retained).
Molecular consequence: synonymous variant.
Genome position (GRCh38, 1-based): chr1:8,360,393, G>A on the plus strand (C>T on the coding strand, the complement: RERE is on the minus strand). VCF-style: chr1-8360393-G-A. GRCh37 (hg19) VCF-style: chr1-8420453-G-A.
Other names: c.1452C>T, p.Pro484= (NM_001042682.2); c.3114C>T, p.Pro1038= (NM_012102.4).
Identifiers: ClinVar variation 4822335 (VCV004822335.4).

ClinVar aggregate classification (germline): Likely benign (1 of 4 stars; one submission).

Submission:

CeGaT Center for Human Genetics Tuebingen
Classification: Likely benign. Last evaluated: 2026-03-01. Review status: criteria provided, single submitter. Criteria: CeGaT Center For Human Genetics Tuebingen Variant Classification Criteria Version 2. Collection method: clinical testing. Allele origin: germline. Affected: yes. Observed: 1 variant allele.
Comment: RERE: PM2:Supporting, BP4, BP7